The following is an entry in ClinVar:

NM_000089.4(COL1A2):c.407G>A (p.Gly136Asp)

Gene: COL1A2 (collagen type I alpha 2 chain; plus strand). Cytogenetic location: 7q21.3.
Variant type: single nucleotide variant.
Coding change: c.407G>A on transcript NM_000089.4 (MANE Select); coding-DNA position 407, G replaced by A.
Protein change: p.Gly136Asp; replaces glycine 136 with aspartic acid.
Molecular consequence: missense variant.
Genome position (GRCh38, 1-based): chr7:94,404,867, G>A. VCF-style: chr7-94404867-G-A. GRCh37 (hg19) VCF-style: chr7-94034179-G-A.
Other names: short protein forms G136D.
Identifiers: ClinVar variation 393233 (VCV000393233.12), dbSNP rs1057524847, ClinGen allele CA16605302.

ClinVar aggregate classification (germline): Pathogenic. Review status: criteria provided, multiple submitters, no conflicts (2 of 4 stars). 2 submissions from 2 submitters: Pathogenic (2). Last evaluated 2022-07-12.

Conditions:
Osteogenesis imperfecta type I (OI1). Also called: Lobstein disease; OI, TYPE I; OSTEOGENESIS IMPERFECTA TARDA; OSTEOGENESIS IMPERFECTA WITH BLUE SCLERAE; Classic Non-deforming Osteogenesis Imperfecta with Blue Sclerae; Osteogenesis imperfecta type 1. Identifiers: Orphanet 216796, Orphanet 666, MedGen C0023931, MONDO:0008146, OMIM 166200. Disease mechanism: loss of function.
Ehlers-Danlos syndrome, classic type, 1 (EDSCL1). Also called: EHLERS-DANLOS SYNDROME, GRAVIS TYPE; EHLERS-DANLOS SYNDROME, SEVERE CLASSIC TYPE; Ehlers-Danlos Syndrome, Classic Type, COL5A1-Related; EDS I; Ehlers-Danlos syndrome, type 1. Identifiers: MedGen C0268335, MONDO:0019567, OMIM 130000.

Submissions (2):

Labcorp Genetics (formerly Invitae), Labcorp
Classification: Pathogenic for Osteogenesis imperfecta type I; Ehlers-Danlos syndrome, classic type, 1. Last evaluated: 2022-07-12. Review status: criteria provided, single submitter. Criteria: Invitae Variant Classification Sherloc (09022015). Collection method: clinical testing. Allele origin: germline.
Comment: For these reasons, this variant has been classified as Pathogenic. This variant disrupts the triple helix domain of COL1A2. Glycine residues within the Gly-Xaa-Yaa repeats of the triple helix domain are required for the structure and stability of fibrillar collagens (PMID: 7695699, 8218237, 19344236). In COL1A2, variants affecting these glycine residues are significantly enriched in individuals with disease (PMID: 9016532, 17078022) compared to the general population (ExAC). Advanced modeling of protein sequence and biophysical properties (such as structural, functional, and spatial information, amino acid conservation, physicochemical variation, residue mobility, and thermodynamic stability) performed at Invitae indicates that this missense variant is expected to disrupt COL1A2 protein function. ClinVar contains an entry for this variant (Variation ID: 393233). This missense change has been observed in individual(s) with autosomal dominant osteogenesis imperfecta (Invitae). This variant is not present in population databases (gnomAD no frequency). This sequence change replaces glycine, which is neutral and non-polar, with aspartic acid, which is acidic and polar, at codon 136 of the COL1A2 protein (p.Gly136Asp).

GeneDx
Classification: Pathogenic. Last evaluated: 2017-01-30. Review status: criteria provided, single submitter. Criteria: GeneDx Variant Classification (06012015). Collection method: clinical testing. Allele origin: germline. Affected: yes.
Comment: The G136D variant in the COL1A2 gene has not been published as a pathogenic variant, nor has it been reported as a benign variant to our knowledge. G136D occurs in the triple helical domain and replaces the Glycine in the canonical Gly-X-Y repeat. Mutations in these Glycines result in poor winding of the collagen triple helix and a less functional protein. The G136D variant was not observed in approximately 6,500 individuals of European and African American ancestry in the NHLBI Exome Sequencing Project, indicating it is not a common benign variant in these populations. The G136D variant is a non-conservative amino acid substitution, which is likely to impact secondary protein structure as these residues differ in polarity, charge, size and/or other properties. This substitution occurs at a position that is conserved across species and in silico analysis predicts this variant is probably damaging to the protein structure/function. Missense variants in nearby Glycine residues (G121D, G124D, G127D, G130D, G133S) have been reported in the Human Gene Mutation Database in association with osteogenesis imperfecta (Stenson et al., 2014), supporting the functional importance of this region of the protein. Therefore, we classify this variant as pathogenic.

Literature cited by the submitters: PubMed 7695699 (cited by Labcorp Genetics (formerly Invitae), Labcorp); PubMed 8218237 (cited by Labcorp Genetics (formerly Invitae), Labcorp); PubMed 19344236 (cited by Labcorp Genetics (formerly Invitae), Labcorp); PubMed 9016532 (cited by Labcorp Genetics (formerly Invitae), Labcorp); PubMed 17078022 (cited by Labcorp Genetics (formerly Invitae), Labcorp).